The following is an entry in ClinVar:

ClinVar aggregate classification (germline): Uncertain significance. Review status: criteria provided, multiple submitters, no conflicts (2 of 4 stars). 2 submissions from 2 submitters: Uncertain significance (2). Last evaluated 2023-05-16.

Conditions:
KMT2D-related disorder. Also called: KMT2D-Related Disorders.

Allele frequency attached by ClinVar (database versions not stated): gnomAD exomes below 0.00001.
gnomAD v4.1: 2 of 1,613,662 alleles (0.00012%); highest among the groups gnomAD compares: African/African-American, 0.0027%; no homozygotes.

Submissions (2):

PreventionGenetics, part of Exact Sciences
Classification: Uncertain significance for KMT2D-related condition. Last evaluated: 2023-05-16. Review status: criteria provided, single submitter. Criteria: ACMG Guidelines, 2015. Collection method: clinical testing. Allele origin: germline.
Comment: The KMT2D c.10486A>G variant is predicted to result in the amino acid substitution p.Thr3496Ala. To our knowledge, this variant has not been reported in the literature or in a large population database, indicating this variant is rare. At this time, the clinical significance of this variant is uncertain due to the absence of conclusive functional and genetic evidence.

Blueprint Genetics
Classification: Uncertain significance. Last evaluated: 2021-06-16. Review status: criteria provided, single submitter. Criteria: ACMG Guidelines, 2015. Collection method: clinical testing. Allele origin: germline.

NM_003482.4(KMT2D):c.10486A>G (p.Thr3496Ala)

Gene: KMT2D (lysine methyltransferase 2D; minus strand). Cytogenetic location: 12q13.12.
Variant type: single nucleotide variant.
Coding change: c.10486A>G on transcript NM_003482.4 (MANE Select); coding-DNA position 10486, A replaced by G.
Protein change: p.Thr3496Ala; replaces threonine 3496 with alanine.
Molecular consequence: missense variant.
Genome position (GRCh38, 1-based): chr12:49,034,431, T>C on the plus strand (A>G on the coding strand, the complement: KMT2D is on the minus strand). VCF-style: chr12-49034431-T-C. GRCh37 (hg19) VCF-style: chr12-49428214-T-C.
Other names: short protein forms T3496A.
Identifiers: ClinVar variation 2632915 (VCV002632915.2), dbSNP rs1943115460, ClinGen allele CA384728796.